The following is an entry in ClinVar:

ClinVar aggregate classification (germline): Uncertain significance (1 of 4 stars; one submission).

Conditions:
Charcot-Marie-Tooth disease axonal type 2S. Also called: CHARCOT-MARIE-TOOTH DISEASE, AXONAL, AUTOSOMAL RECESSIVE, TYPE 2S; CHARCOT-MARIE-TOOTH NEUROPATHY, TYPE 2S. Identifiers: Orphanet 443073, MedGen C4015349, MONDO:0014511, OMIM 616155.
Autosomal recessive distal spinal muscular atrophy 1. Also called: NEURONOPATHY, DISTAL HEREDITARY MOTOR, HARDING TYPE VI; NEUROPATHY, DISTAL HEREDITARY MOTOR, AUTOSOMAL RECESSIVE 1; HMN VI; SEVERE INFANTILE AXONAL NEUROPATHY WITH RESPIRATORY FAILURE; SPINAL MUSCULAR ATROPHY, DIAPHRAGMATIC; NEURONOPATHY, SEVERE INFANTILE AXONAL, WITH RESPIRATORY FAILURE. Identifiers: Orphanet 98920, MedGen C1858517, MONDO:0011436, OMIM 604320.

Allele frequency attached by ClinVar (database versions not stated): ExAC 0.00006; gnomAD 0.00006; gnomAD exomes 0.00008.
gnomAD v4.1: 121 of 1,612,194 alleles (0.0075%); highest among the groups gnomAD compares: East Asian, 0.24%; 1 homozygote.

Submission:

Labcorp Genetics (formerly Invitae), Labcorp
Classification: Uncertain significance for Autosomal recessive distal spinal muscular atrophy 1; Charcot-Marie-Tooth disease axonal type 2S. Last evaluated: 2022-02-01. Review status: criteria provided, single submitter. Criteria: Invitae Variant Classification Sherloc (09022015). Collection method: clinical testing. Allele origin: germline.
Comment: This sequence change replaces arginine, which is basic and polar, with cysteine, which is neutral and slightly polar, at codon 937 of the IGHMBP2 protein (p.Arg937Cys). This variant is present in population databases (rs765452402, gnomAD 0.04%). This variant has not been reported in the literature in individuals affected with IGHMBP2-related conditions. Advanced modeling of protein sequence and biophysical properties (such as structural, functional, and spatial information, amino acid conservation, physicochemical variation, residue mobility, and thermodynamic stability) performed at Invitae indicates that this missense variant is not expected to disrupt IGHMBP2 protein function. In summary, the available evidence is currently insufficient to determine the role of this variant in disease. Therefore, it has been classified as a Variant of Uncertain Significance.

NM_002180.3(IGHMBP2):c.2809C>T (p.Arg937Cys)

Gene: IGHMBP2 (immunoglobulin mu DNA binding protein 2; plus strand). Cytogenetic location: 11q13.3.
Variant type: single nucleotide variant.
Coding change: c.2809C>T on transcript NM_002180.3 (MANE Select); coding-DNA position 2809, C replaced by T.
Protein change: p.Arg937Cys; replaces arginine 937 with cysteine.
Molecular consequence: missense variant.
Genome position (GRCh38, 1-based): chr11:68,939,558, C>T. VCF-style: chr11-68939558-C-T. GRCh37 (hg19) VCF-style: chr11-68707026-C-T.
Other names: short protein forms R937C.
Identifiers: ClinVar variation 2042298 (VCV002042298.1), dbSNP rs765452402, ClinGen allele CA6154025.